The following is an entry in ClinVar:

NM_000051.4(ATM):c.707T>C (p.Leu236Pro)

Gene: ATM (ATM serine/threonine kinase; plus strand). Cytogenetic location: 11q22.3.
Variant type: single nucleotide variant.
Coding change: c.707T>C on transcript NM_000051.4 (MANE Select); coding-DNA position 707, T replaced by C.
Protein change: p.Leu236Pro; replaces leucine 236 with proline.
Molecular consequence: missense variant.
Genome position (GRCh38, 1-based): chr11:108,244,832, T>C. VCF-style: chr11-108244832-T-C. GRCh37 (hg19) VCF-style: chr11-108115559-T-C.
Other names: c.707T>C, p.Leu236Pro (NM_001351834.2); short protein forms L236P.
Identifiers: ClinVar variation 232512 (VCV000232512.6), dbSNP rs876659813, ClinGen allele CA10578972.

ClinVar aggregate classification (germline): Uncertain significance. Review status: criteria provided, multiple submitters, no conflicts (2 of 4 stars). 2 submissions from 2 submitters: Uncertain significance (2). Last evaluated 2025-10-29.

Conditions:
Ataxia-telangiectasia syndrome (AT). Also called: Ataxia telangiectasia (A-T); Ataxia-telangiectasia, complementation group E; LOUIS-BAR SYNDROME; Cerebello-oculocutaneous telangiectasia; Immunodeficiency with ataxia telangiectasia; Ataxia-telangiectasia, complementation group D. Identifiers: Orphanet 100, MedGen C0004135, MONDO:0008840, OMIM 208900.
Hereditary cancer-predisposing syndrome. Also called: Hereditary Cancer Syndrome; Neoplastic Syndromes, Hereditary; Tumor predisposition; Hereditary neoplastic syndrome. Identifiers: Orphanet 140162, MedGen C0027672, MeSH D009386, MONDO:0015356.

Submissions (2):

Labcorp Genetics (formerly Invitae), Labcorp
Classification: Uncertain significance for Ataxia-telangiectasia syndrome. Last evaluated: 2025-10-29. Review status: criteria provided, single submitter. Criteria: Invitae Variant Classification Sherloc (09022015). Collection method: clinical testing. Allele origin: germline.
Comment: This sequence change replaces leucine, which is neutral and non-polar, with proline, which is neutral and non-polar, at codon 236 of the ATM protein (p.Leu236Pro). This variant is not present in population databases (gnomAD no frequency). This variant has not been reported in the literature in individuals affected with ATM-related conditions. ClinVar contains an entry for this variant (Variation ID: 232512). Invitae Evidence Modeling of protein sequence and biophysical properties (such as structural, functional, and spatial information, amino acid conservation, physicochemical variation, residue mobility, and thermodynamic stability) indicates that this missense variant is not expected to disrupt ATM protein function with a negative predictive value of 95%. In summary, the available evidence is currently insufficient to determine the role of this variant in disease. Therefore, it has been classified as a Variant of Uncertain Significance.

Ambry Genetics
Classification: Uncertain significance for Hereditary cancer-predisposing syndrome. Last evaluated: 2023-12-07. Review status: criteria provided, single submitter. Criteria: Ambry Variant Classification Scheme 2023. Collection method: clinical testing. Allele origin: germline.
Comment: The p.L236P variant (also known as c.707T>C), located in coding exon 6 of the ATM gene, results from a T to C substitution at nucleotide position 707. The leucine at codon 236 is replaced by proline, an amino acid with similar properties. This amino acid position is not well conserved in available vertebrate species. In addition, the in silico prediction for this alteration is inconclusive. Since supporting evidence is limited at this time, the clinical significance of this alteration remains unclear.